The following is an entry in ClinVar:

ClinVar aggregate classification (germline): Conflicting classifications of pathogenicity. Review status: criteria provided, conflicting classifications (1 of 4 stars). 2 submissions from 2 submitters: Uncertain significance (1); Likely benign (1). Last evaluated 2025-06-12.

Conditions:
Pyruvate dehydrogenase E2 deficiency (PDHDD). Also called: LACTIC ACIDEMIA DUE TO DEFECT OF E2 LIPOYL TRANSACETYLASE OF THE PYRUVATE DEHYDROGENASE COMPLEX; Dihydrolipoamide Acetyltransferase (E2) Deficiency. Identifiers: Orphanet 765, Orphanet 79244, MedGen C1855565, MONDO:0009502, OMIM 245348.

Allele frequency attached by ClinVar (database versions not stated): ExAC 0.00008; ESP Exome Variant Server 0.00008; TOPMed 0.00018; gnomAD exomes 0.00003 and 0.00004; gnomAD 0.00019 and 0.00020; 1000 Genomes Project 30x 0.00078; 1000 Genomes Project 0.00100.
gnomAD v4.1: 75 of 1,613,950 alleles (0.0046%); highest among the groups gnomAD compares: African/African-American, 0.089%; no homozygotes.

Submissions (2):

Labcorp Genetics (formerly Invitae), Labcorp
Classification: Likely benign for Pyruvate dehydrogenase E2 deficiency. Last evaluated: 2025-06-12. Review status: criteria provided, single submitter. Criteria: Invitae Variant Classification Sherloc (09022015). Collection method: clinical testing. Allele origin: germline.

GeneDx
Classification: Uncertain significance. Last evaluated: 2023-05-09. Review status: criteria provided, single submitter. Criteria: GeneDx Variant Classification Process June 2021. Collection method: clinical testing. Allele origin: germline. Affected: yes.
Comment: In silico analysis supports that this missense variant does not alter protein structure/function; Has not been previously published as pathogenic or benign to our knowledge

NM_001931.5(DLAT):c.109C>G (p.Arg37Gly)

Gene: DLAT (dihydrolipoamide S-acetyltransferase; plus strand). Cytogenetic location: 11q23.1.
Variant type: single nucleotide variant.
Coding change: c.109C>G on transcript NM_001931.5 (MANE Select); coding-DNA position 109, C replaced by G.
Protein change: p.Arg37Gly; replaces arginine 37 with glycine.
Molecular consequence: missense variant. On other transcripts: 5 prime UTR variant (1), non-coding transcript variant (1).
Genome position (GRCh38, 1-based): chr11:112,025,581, C>G. VCF-style: chr11-112025581-C-G. GRCh37 (hg19) VCF-style: chr11-111896305-C-G.
Other names: c.109C>G, p.Arg37Gly (NM_001372031.1, NM_001372032.1, NM_001372033.1 and 6 more transcripts); c.68C>G, p.Ala23Gly (NM_001372036.1, NM_001372037.1); c.-358C>G (NM_001372042.1); c.109C>G (NM_001931.4); short protein forms R37G, A23G.
Identifiers: ClinVar variation 1454240 (VCV001454240.8), dbSNP rs183829292, ClinGen allele CA6276525.